The following is an entry in ClinVar:

ClinVar aggregate classification (germline): Likely benign (1 of 4 stars; one submission).

Allele frequency attached by ClinVar (database versions not stated): gnomAD exomes 0.00004; gnomAD 0.00010; TOPMed 0.00011; ExAC 0.00017; 1000 Genomes Project 0.00060; 1000 Genomes Project 30x 0.00062.
gnomAD v4.1: 79 of 1,613,020 alleles (0.0049%); highest among the groups gnomAD compares: East Asian, 0.071%; no homozygotes.

Submission:

CeGaT Center for Human Genetics Tuebingen
Classification: Likely benign. Last evaluated: 2022-03-01. Review status: criteria provided, single submitter. Criteria: CeGaT Center For Human Genetics Tuebingen Variant Classification Criteria Version 2. Collection method: clinical testing. Allele origin: germline. Affected: yes. Observed: 1 variant allele.
Comment: BLTP1: BP4, BP7

NM_001384125.1(BLTP1):c.10785G>A (p.Pro3595=)

Gene: BLTP1 (bridge-like lipid transfer protein family member 1; plus strand). Cytogenetic location: 4q27.
Variant type: single nucleotide variant.
Coding change: c.10785G>A on transcript NM_001384125.1 (MANE Select); coding-DNA position 10785, G replaced by A.
Protein change: p.Pro3595=; no amino-acid change (proline 3595 retained).
Molecular consequence: synonymous variant.
Genome position (GRCh38, 1-based): chr4:122,316,776, G>A. VCF-style: chr4-122316776-G-A. GRCh37 (hg19) VCF-style: chr4-123237931-G-A.
Other names: c.10584G>A, p.Pro3528= (NM_015312.4).
Identifiers: ClinVar variation 2655066 (VCV002655066.24), dbSNP rs563545352, ClinGen allele CA3067591.